The following is an entry in ClinVar:

ClinVar aggregate classification (germline): Uncertain significance (1 of 4 stars; one submission).

Allele frequency attached by ClinVar (database versions not stated): ExAC 0.00002.
gnomAD v4.1: 31 of 1,613,204 alleles (0.0019%); highest among the groups gnomAD compares: Middle Eastern, 0.018%; no homozygotes.

Submission:

Labcorp Genetics (formerly Invitae), Labcorp
Classification: Uncertain significance. Last evaluated: 2023-11-27. Review status: criteria provided, single submitter. Criteria: Invitae Variant Classification Sherloc (09022015). Collection method: clinical testing. Allele origin: germline.
Comment: This sequence change replaces alanine, which is neutral and non-polar, with threonine, which is neutral and polar, at codon 220 of the MTPAP protein (p.Ala220Thr). This variant is present in population databases (rs759555857, gnomAD 0.007%). This variant has not been reported in the literature in individuals affected with MTPAP-related conditions. ClinVar contains an entry for this variant (Variation ID: 1980959). Advanced modeling of protein sequence and biophysical properties (such as structural, functional, and spatial information, amino acid conservation, physicochemical variation, residue mobility, and thermodynamic stability) performed at Invitae indicates that this missense variant is not expected to disrupt MTPAP protein function with a negative predictive value of 80%. In summary, the available evidence is currently insufficient to determine the role of this variant in disease. Therefore, it has been classified as a Variant of Uncertain Significance.

NM_018109.4(MTPAP):c.658G>A (p.Ala220Thr)

Gene: MTPAP (mitochondrial poly(A) polymerase; minus strand). Cytogenetic location: 10p11.23.
Variant type: single nucleotide variant.
Coding change: c.658G>A on transcript NM_018109.4 (MANE Select); coding-DNA position 658, G replaced by A.
Protein change: p.Ala220Thr; replaces alanine 220 with threonine.
Molecular consequence: missense variant.
Genome position (GRCh38, 1-based): chr10:30,336,925, C>T on the plus strand (G>A on the coding strand, the complement: MTPAP is on the minus strand). VCF-style: chr10-30336925-C-T. GRCh37 (hg19) VCF-style: chr10-30625854-C-T.
Other names: short protein forms A220T.
Identifiers: ClinVar variation 1980959 (VCV001980959.4), dbSNP rs759555857, ClinGen allele CA5459135.